The following is an entry in ClinVar:

NM_033026.6(PCLO):c.6923C>A (p.Thr2308Asn)

Gene: PCLO (piccolo presynaptic cytomatrix protein; minus strand). Cytogenetic location: 7q21.11.
Variant type: single nucleotide variant.
Coding change: c.6923C>A on transcript NM_033026.6 (MANE Select); coding-DNA position 6923, C replaced by A.
Protein change: p.Thr2308Asn; replaces threonine 2308 with asparagine.
Molecular consequence: missense variant.
Genome position (GRCh38, 1-based): chr7:82,954,030, G>T on the plus strand (C>A on the coding strand, the complement: PCLO is on the minus strand). VCF-style: chr7-82954030-G-T. GRCh37 (hg19) VCF-style: chr7-82583346-G-T.
Other names: c.6923C>A, p.Thr2308Asn (NM_014510.3); short protein forms T2308N.
Identifiers: ClinVar variation 1970622 (VCV001970622.2), dbSNP rs746623269, ClinGen allele CA4320387.
Genomic context (GRCh38, chr7:82,954,030, plus strand): 5'-GCCTCCAACTCCTTTTTATCTCTGTAAGCTTCCAAAACTTCCAGAATGATTCCATTCCCA[G>T]TTTCCTTCTTGGCTTTCTTCACTGGGTCCTTTTCAGATATAAGTAAGTCAGTAGAAACAG-3'
Protein context (NP_149015.2, residues 2298-2318): KDPVKKAKKE[Thr2308Asn]GNGIILEVLE

ClinVar aggregate classification (germline): Uncertain significance (1 of 4 stars; one submission).

Allele frequency attached by ClinVar (database versions not stated): gnomAD exomes 0.00005; gnomAD 0.00007; ExAC 0.00010.
gnomAD v4.1: 83 of 1,613,664 alleles (0.0051%); highest among the groups gnomAD compares: Non-Finnish European, 0.0049%; no homozygotes.

Submission:

Labcorp Genetics (formerly Invitae), Labcorp
Classification: Uncertain significance. Last evaluated: 2022-05-05. Review status: criteria provided, single submitter. Criteria: Invitae Variant Classification Sherloc (09022015). Collection method: clinical testing. Allele origin: germline.
Comment: This sequence change replaces threonine, which is neutral and polar, with asparagine, which is neutral and polar, at codon 2308 of the PCLO protein (p.Thr2308Asn). This variant is present in population databases (rs746623269, gnomAD 0.03%). This variant has not been reported in the literature in individuals affected with PCLO-related conditions. Algorithms developed to predict the effect of missense changes on protein structure and function output the following: SIFT: "Deleterious"; PolyPhen-2: "Not Available"; Align-GVGD: "Class C0". The asparagine amino acid residue is found in multiple mammalian species, which suggests that this missense change does not adversely affect protein function. In summary, the available evidence is currently insufficient to determine the role of this variant in disease. Therefore, it has been classified as a Variant of Uncertain Significance.